The following is an entry in ClinVar:

ClinVar aggregate classification (germline): Pathogenic/Likely pathogenic. Review status: criteria provided, multiple submitters, no conflicts (2 of 4 stars). 6 submissions from 6 submitters: Pathogenic (3); Likely pathogenic (1). 2 of the submissions do not count toward it. Last evaluated 2026-03-04.

Conditions:
Amelogenesis imperfecta hypomaturation type 2A3. Also called: Amelogenesis imperfecta, type IIA3. Identifiers: Orphanet 88661, MedGen C2750771, MONDO:0013181, OMIM 613211. Disease mechanism: loss of function.
Renal tubulopathies.
Renal tubular acidosis, distal, 4, with hemolytic anemia. Also called: Renal Tubular Acidosis, Distal, with Hemolytic Anemia. Identifiers: Orphanet 93610, MedGen C5436235, MONDO:0012700, OMIM 611590.
Distal renal tubular acidosis. Identifiers: Orphanet 18, MedGen C1704380, MONDO:0015827, HP:0008341.

Allele frequency attached by ClinVar (database versions not stated): TOPMed below 0.00001; gnomAD 0.00001; gnomAD exomes 0.00002 and 0.00001; 1000 Genomes Project 30x 0.00016; 1000 Genomes Project 0.00020; ExAC 0.00003.
gnomAD v4.1: 15 of 1,612,546 alleles (0.00093%); highest among the groups gnomAD compares: South Asian, 0.014%; no homozygotes.

Submissions (6):

Kasturba Medical College, Manipal, Kasturba Medical College, Manipal, Manipal Academy of Higher Education, Manipal, India
Classification: Likely pathogenic for Distal renal tubular acidosis. Last evaluated: 2026-03-04. Review status: criteria provided, single submitter. Criteria: ACMG Guidelines, 2015. Collection method: research. Allele origin: biparental. Inheritance: Autosomal recessive inheritance. Affected: yes.
Comment: This variant is present in 15 individuals in heterozygous state (allele frequency: 0.000009302) in gnomAD (v4.1.0) database. This variant is present in two individuals in heterozygous state in our in-house database of 3871 exomes. This variant is predicted to cause premature termination of the transcript, which may either lead to the nonsense-mediated mRNA decay or formation of a truncated protein product. WDR72 is associated with amelogenesis imperfecta (MIM#613211) and has recently been linked to distal renal tubular acidosis, with more than 22 affected individuals reported to date (Deepthi et al., 2025; Rungroj et al., 2018).

GeneDx
Classification: Pathogenic. Last evaluated: 2026-01-23. Review status: criteria provided, single submitter. Criteria: GeneDx Variant Classification Process June 2021. Collection method: clinical testing. Allele origin: germline.
Comment: Nonsense variant predicted to result in protein truncation or nonsense mediated decay in a gene for which loss of function is a known mechanism of disease; This variant is associated with the following publications: (PMID: 25525159, 36836560, 40108106, 21196691, 40741335, 30028003, 22243262)

Genetics Laboratory, Great Ormond Street Hospital NHS Foundation Trust, North Thames Genomic Laboratory Hub
Classification: Pathogenic for Renal tubulopathies. Last evaluated: 2025-12-08. Review status: criteria provided, single submitter. Criteria: ACGS Best Practice Guidelines for Variant Classification in Rare Disease 2024 v1.2. Collection method: clinical testing. Allele origin: germline. Affected: yes.
Comment: PM2_moderate, PVS1_very-strong, PM3_supporting

Fulgent Genetics
Classification: Pathogenic for Amelogenesis imperfecta hypomaturation type 2A3. Last evaluated: 2022-03-03. Review status: criteria provided, single submitter. Criteria: ACMG Guidelines, 2015. Collection method: clinical testing. Allele origin: unknown.

Institute of Human Genetics, University of Ulm
Classification: Pathogenic for Amelogenesis imperfecta hypomaturation type 2A3. Last evaluated: 2024-04-18. Review status: no assertion criteria provided. Collection method: research. Allele origin: germline. Inheritance: Autosomal recessive inheritance. Affected: yes. Observed: 3 variant alleles, 3 homozygotes. Not counted in ClinVar's aggregate classification.

Division of Molecular Medicine, Faculty of Medicine Siriraj Hospital, Mahidol University
Classification: Pathogenic for Renal tubular acidosis, distal, 4, with hemolytic anemia; Amelogenesis imperfecta hypomaturation type 2A3. Last evaluated: 2018-01-01. Review status: no assertion criteria provided. Collection method: research. Allele origin: somatic. Affected: yes. Observed: 1 variant allele. Not counted in ClinVar's aggregate classification.

Literature cited by the submitters: PubMed 39150521 (cited by Kasturba Medical College, Manipal, Kasturba Medical College, Manipal, Manipal Academy of Higher Education, Manipal, India); PubMed 30028003 (cited by Kasturba Medical College, Manipal, Kasturba Medical College, Manipal, Manipal Academy of Higher Education, Manipal, India and Division of Molecular Medicine, Faculty of Medicine Siriraj Hospital, Mahidol University).

NM_182758.4(WDR72):c.2686C>T (p.Arg896Ter)

Gene: WDR72 (WD repeat domain 72; minus strand). Cytogenetic location: 15q21.3.
Variant type: single nucleotide variant.
Coding change: c.2686C>T on transcript NM_182758.4 (MANE Select); coding-DNA position 2686, C replaced by T.
Protein change: p.Arg896Ter; replaces arginine 896 with a stop codon.
Molecular consequence: nonsense. On other transcripts: non-coding transcript variant (1).
Genome position (GRCh38, 1-based): chr15:53,615,520, G>A on the plus strand (C>T on the coding strand, the complement: WDR72 is on the minus strand). VCF-style: chr15-53615520-G-A. GRCh37 (hg19) VCF-style: chr15-53907717-G-A.
Other names: short protein forms R896*.
Identifiers: ClinVar variation 522610 (VCV000522610.8), dbSNP rs557128345, ClinGen allele CA7570824.